The following is an entry in ClinVar:

ClinVar aggregate classification (germline): Pathogenic (1 of 4 stars; one submission).

Conditions:
Mucopolysaccharidosis type 1. Also called: Mucopolysaccharidosis Type I; IDUA deficiency; MPS I. Identifiers: Orphanet 579, MedGen C0023786, MONDO:0001586.

Submission:

Labcorp Genetics (formerly Invitae), Labcorp
Classification: Pathogenic for Mucopolysaccharidosis type 1. Last evaluated: 2020-03-10. Review status: criteria provided, single submitter. Criteria: Invitae Variant Classification Sherloc (09022015). Collection method: clinical testing. Allele origin: germline.
Comment: Loss-of-function variants in IDUA are known to be pathogenic (PMID: 11735025, 21480867). For these reasons, this variant has been classified as Pathogenic. This variant has not been reported in the literature in individuals with IDUA-related conditions. This variant is not present in population databases (ExAC no frequency). This sequence change creates a premature translational stop signal (p.Pro302Argfs*15) in the IDUA gene. It is expected to result in an absent or disrupted protein product.

Literature cited by the submitters: PubMed 11735025; PubMed 21480867.

NM_000203.5(IDUA):c.905del (p.Pro302fs)

Gene: IDUA (alpha-L-iduronidase; plus strand). Cytogenetic location: 4p16.3.
Variant type: Deletion.
Coding change: c.905del on transcript NM_000203.5 (MANE Select); coding-DNA position 905, one base deleted (C; older notation c.905delC).
Protein change: p.Pro302fs; shifts the reading frame from proline 302.
Molecular consequence: frameshift variant. On other transcripts: non-coding transcript variant (1).
Genome position (GRCh38, 1-based): chr4:1,002,094, C deleted; the last of 3 consecutive C bases (chr4:1,002,092-1,002,094); deleting any one gives the same sequence. VCF-style (leftmost placement, unchanged base first): chr4-1002091-AC-A. GRCh37 (hg19) VCF-style: chr4-995879-AC-A.
Other names: c.509del, p.Pro170fs (NM_001363576.1); short protein forms P170fs, P302fs.
Identifiers: ClinVar variation 1072608 (VCV001072608.44), dbSNP rs2153022225, ClinGen allele CA2499217014.